The following is an entry in ClinVar:

ClinVar aggregate classification (germline): Pathogenic (1 of 4 stars; one submission).

Conditions:
Rare anaemia.

Submission:

North West Genomic Laboratory Hub, Manchester University NHS Foundation Trust
Classification: Pathogenic for Rare anaemia. Last evaluated: 2025-12-31. Review status: criteria provided, single submitter. Criteria: ACGS Best Practice Guidelines for Variant Classification in Rare Disease 2024. Collection method: clinical testing. Allele origin: germline. Affected: yes.
Comment: PM2_Mod PVS1_VStr

NM_001355436.2(SPTB):c.5804del (p.Val1935fs)

Gene: SPTB (spectrin beta, erythrocytic; minus strand). Cytogenetic location: 14q23.3.
Variant type: Deletion.
Coding change: c.5804del on transcript NM_001355436.2 (MANE Select); coding-DNA position 5804, one base deleted (T; older notation c.5804delT).
Protein change: p.Val1935fs; shifts the reading frame from valine 1935.
Molecular consequence: frameshift variant.
Genome position (GRCh38, 1-based): chr14:64,769,723, A deleted on the plus strand (T on the coding strand, the reverse complement: SPTB is on the minus strand). VCF-style (leftmost placement, unchanged base first): chr14-64769722-GA-G. GRCh37 (hg19) VCF-style: chr14-65236440-GA-G.
Other names: c.5804del, p.Val1935fs (NM_001024858.4, NM_001355437.2); short protein forms V1935fs.
Identifiers: ClinVar variation 4884309 (VCV004884309.1).
Genomic context (GRCh38, chr14:64,769,722, plus strand): 5'-CCGGGTTTCAATCTCTGCATTGATGCCCTGGTGATACTTCATGAGCAGTTCCACAGAGGA[GA>G]CATCCCTGGGGGACAGGAGGACAAGGGAAGAAGGGAACTCTGGGTCACTCTGGCCTGCCT-3'